The following is an entry in ClinVar:

NM_000176.3(NR3C1):c.2233A>G (p.Met745Val)

Gene: NR3C1 (nuclear receptor subfamily 3 group C member 1; minus strand). Cytogenetic location: 5q31.3.
Variant type: single nucleotide variant.
Coding change: c.2233A>G on transcript NM_000176.3 (MANE Select); coding-DNA position 2233, A replaced by G.
Protein change: p.Met745Val; replaces methionine 745 with valine.
Molecular consequence: missense variant. On other transcripts: non-coding transcript variant (1), intron variant (1).
Genome position (GRCh38, 1-based): chr5:143,281,990, T>C on the plus strand (A>G on the coding strand, the complement: NR3C1 is on the minus strand). VCF-style: chr5-143281990-T-C. GRCh37 (hg19) VCF-style: chr5-142661555-T-C.
Other names: c.2233A>G, p.Met745Val (NM_001018074.1, NM_001018075.1, NM_001018076.2 and 4 more transcripts); c.2236A>G, p.Met746Val (NM_001024094.2, NM_001364183.2, NM_001364184.2 and 1 more transcripts); c.2155A>G, p.Met719Val (NM_001204258.2); c.1978A>G, p.Met660Val (NM_001204259.2); c.1966A>G, p.Met656Val (NM_001204260.2); c.1942A>G, p.Met648Val (NM_001204261.2); c.1288A>G, p.Met430Val (NM_001204262.2); c.1243A>G, p.Met415Val (NM_001204263.2); and 2 more; short protein forms M410V, M415V, M430V, M648V, M656V, M660V, M719V, M745V.
Identifiers: ClinVar variation 1801909 (VCV001801909.1), dbSNP rs757831210, ClinGen allele CA3486687.

ClinVar aggregate classification (germline): Uncertain significance (1 of 4 stars; one submission).

Allele frequency attached by ClinVar (database versions not stated): ExAC 0.00001.
gnomAD v4.1: 2 of 1,613,720 alleles (0.00012%); highest among the groups gnomAD compares: Non-Finnish European, 0.00017%; no homozygotes.

Submission:

GeneDx
Classification: Uncertain significance. Last evaluated: 2022-05-31. Review status: criteria provided, single submitter. Criteria: GeneDx Variant Classification Process June 2021. Collection method: clinical testing. Allele origin: germline. Affected: yes.
Comment: In silico analysis supports that this missense variant does not alter protein structure/function; In silico analysis supports a deleterious effect on splicing; Has not been previously published as pathogenic or benign to our knowledge